The following is an entry in ClinVar:

NM_003105.6(SORL1):c.1418G>T (p.Cys473Phe)

Gene: SORL1 (sortilin related receptor 1; plus strand). Cytogenetic location: 11q24.1.
Variant type: single nucleotide variant.
Coding change: c.1418G>T on transcript NM_003105.6 (MANE Select); coding-DNA position 1418, G replaced by T.
Protein change: p.Cys473Phe; replaces cysteine 473 with phenylalanine.
Molecular consequence: missense variant.
Genome position (GRCh38, 1-based): chr11:121,522,599, G>T. VCF-style: chr11-121522599-G-T. GRCh37 (hg19) VCF-style: chr11-121393308-G-T.
Other names: short protein forms C473F.
Identifiers: ClinVar variation 4713502 (VCV004713502.1).
Genomic context (GRCh38, chr11:121,522,599, plus strand): 5'-AGGCATGGTATCATGTGCTGACACTGCCTGAAACTTTGGTTGTATAGCTTTCCCAGGGCT[G>T]TTCCCTTCATCTGGCTCAGCGCCTCAGTCAGCTCCTCAACCTCCAGCTCCGGAGAATGCC-3'
Protein context (NP_003096.2, residues 463-483): EKINCELSQG[Cys473Phe]SLHLAQRLSQ

ClinVar aggregate classification (germline): Uncertain significance (1 of 4 stars; one submission).

Submission:

Labcorp Genetics (formerly Invitae), Labcorp
Classification: Uncertain significance. Last evaluated: 2025-02-19. Review status: criteria provided, single submitter. Criteria: Invitae Variant Classification Sherloc (09022015). Collection method: clinical testing. Allele origin: germline.
Comment: This sequence change replaces cysteine, which is neutral and slightly polar, with phenylalanine, which is neutral and non-polar, at codon 473 of the SORL1 protein (p.Cys473Phe). This variant is not present in population databases (gnomAD no frequency). This variant has not been reported in the literature in individuals affected with SORL1-related conditions. An algorithm developed to predict the effect of missense changes on protein structure and function (PolyPhen-2) suggests that this variant is likely to be disruptive. In summary, the available evidence is currently insufficient to determine the role of this variant in disease. Therefore, it has been classified as a Variant of Uncertain Significance.